The following is an entry in ClinVar:

NM_000051.4(ATM):c.968T>G (p.Ile323Arg)

Gene: ATM (ATM serine/threonine kinase; plus strand). Cytogenetic location: 11q22.3.
Variant type: single nucleotide variant.
Coding change: c.968T>G on transcript NM_000051.4 (MANE Select); coding-DNA position 968, T replaced by G.
Protein change: p.Ile323Arg; replaces isoleucine 323 with arginine.
Molecular consequence: missense variant.
Genome position (GRCh38, 1-based): chr11:108,247,030, T>G. VCF-style: chr11-108247030-T-G. GRCh37 (hg19) VCF-style: chr11-108117757-T-G.
Other names: c.968T>G, p.Ile323Arg (NM_001351834.2); short protein forms I323R.
Identifiers: ClinVar variation 941907 (VCV000941907.10), dbSNP rs2079882407, ClinGen allele CA382531028.

ClinVar aggregate classification (germline): Uncertain significance. Review status: criteria provided, multiple submitters, no conflicts (2 of 4 stars). 2 submissions from 2 submitters: Uncertain significance (2). Last evaluated 2024-10-25.

Conditions:
Hereditary cancer-predisposing syndrome. Also called: Tumor predisposition; Hereditary neoplastic syndrome; Neoplastic Syndromes, Hereditary; Hereditary Cancer Syndrome. Identifiers: Orphanet 140162, MedGen C0027672, MeSH D009386, MONDO:0015356.
Ataxia-telangiectasia syndrome (AT). Also called: Cerebello-oculocutaneous telangiectasia; Immunodeficiency with ataxia telangiectasia; LOUIS-BAR SYNDROME; AT, COMPLEMENTATION GROUP C; ATAXIA-TELANGIECTASIA, COMPLEMENTATION GROUP A; ATAXIA-TELANGIECTASIA, FRESNO VARIANT. Identifiers: Orphanet 100, MedGen C0004135, MONDO:0008840, OMIM 208900.

Submissions (2):

Ambry Genetics
Classification: Uncertain significance for Hereditary cancer-predisposing syndrome. Last evaluated: 2024-10-25. Review status: criteria provided, single submitter. Criteria: Ambry Variant Classification Scheme 2023. Collection method: clinical testing. Allele origin: germline.
Comment: The p.I323R variant (also known as c.968T>G), located in coding exon 7 of the ATM gene, results from a T to G substitution at nucleotide position 968. The isoleucine at codon 323 is replaced by arginine, an amino acid with similar properties. This amino acid position is highly conserved in available vertebrate species. In addition, this alteration is predicted to be deleterious by in silico analysis. Based on the available evidence, the clinical significance of this variant remains unclear.

Labcorp Genetics (formerly Invitae), Labcorp
Classification: Uncertain significance for Ataxia-telangiectasia syndrome. Last evaluated: 2023-08-04. Review status: criteria provided, single submitter. Criteria: Invitae Variant Classification Sherloc (09022015). Collection method: clinical testing. Allele origin: germline.
Comment: This variant has not been reported in the literature in individuals affected with ATM-related conditions. ClinVar contains an entry for this variant (Variation ID: 941907). An algorithm developed to predict the effect of missense changes on protein structure and function (PolyPhen-2) suggests that this variant is likely to be disruptive. This variant disrupts the p.Ile323 amino acid residue in ATM. Other variant(s) that disrupt this residue have been determined to be pathogenic (PMID: 10817650, 23652012, 27664052, 31050087). This suggests that this residue is clinically significant, and that variants that disrupt this residue are likely to be disease-causing. In summary, the available evidence is currently insufficient to determine the role of this variant in disease. Therefore, it has been classified as a Variant of Uncertain Significance. This sequence change replaces isoleucine, which is neutral and non-polar, with arginine, which is basic and polar, at codon 323 of the ATM protein (p.Ile323Arg). This variant is not present in population databases (gnomAD no frequency).

Literature cited by the submitters: PubMed 10817650 (cited by Labcorp Genetics (formerly Invitae), Labcorp); PubMed 23652012 (cited by Labcorp Genetics (formerly Invitae), Labcorp); PubMed 27664052 (cited by Labcorp Genetics (formerly Invitae), Labcorp); PubMed 31050087 (cited by Labcorp Genetics (formerly Invitae), Labcorp).